The following is an entry in ClinVar:

NM_000038.6(APC):c.5367A>G (p.Val1789=)

Gene: APC (APC regulator of Wnt signaling pathway; plus strand). Cytogenetic location: 5q22.2.
Variant type: single nucleotide variant.
Coding change: c.5367A>G on transcript NM_000038.6 (MANE Select); coding-DNA position 5367, A replaced by G.
Protein change: p.Val1789=; no amino-acid change (valine 1789 retained).
Molecular consequence: synonymous variant.
Genome position (GRCh38, 1-based): chr5:112,840,961, A>G. VCF-style: chr5-112840961-A-G. GRCh37 (hg19) VCF-style: chr5-112176658-A-G.
Other names: c.5367A>G, p.Val1789= (NM_001127510.3, NM_001354895.2); c.5313A>G, p.Val1771= (NM_001127511.3); c.5421A>G, p.Val1807= (NM_001354896.2); c.5397A>G, p.Val1799= (NM_001354897.2); c.5292A>G, p.Val1764= (NM_001354898.2); c.5283A>G, p.Val1761= (NM_001354899.2); c.5244A>G, p.Val1748= (NM_001354900.2); c.5190A>G, p.Val1730= (NM_001354901.2); and 5 more.
Identifiers: ClinVar variation 1116355 (VCV001116355.13), dbSNP rs1765934357, ClinGen allele CA446208824.

ClinVar aggregate classification (germline): Benign/Likely benign. Review status: criteria provided, multiple submitters, no conflicts (2 of 4 stars). 3 submissions from 3 submitters: Benign (1); Likely benign (2). Last evaluated 2024-04-02.

Conditions:
Hereditary cancer-predisposing syndrome. Also called: Hereditary neoplastic syndrome; Hereditary Cancer Syndrome; Neoplastic Syndromes, Hereditary; Tumor predisposition. Identifiers: Orphanet 140162, MedGen C0027672, MeSH D009386, MONDO:0015356.
Familial adenomatous polyposis 1 (FAP1). Also called: FAMILIAL ADENOMATOUS POLYPOSIS 1, ATTENUATED; POLYPOSIS, ADENOMATOUS INTESTINAL. Identifiers: MedGen C2713442, MONDO:0021056, OMIM 175100. Disease mechanism: loss of function.

Allele frequency attached by ClinVar (database versions not stated): TOPMed below 0.00001.

Submissions (3):

Myriad Genetics, Inc.
Classification: Benign for Familial adenomatous polyposis 1. Last evaluated: 2024-04-02. Review status: criteria provided, single submitter. Criteria: Myriad Autosomal Dominant, Autosomal Recessive and X-Linked Classification Criteria (2023). Collection method: clinical testing. Allele origin: unknown.
Comment: This variant is considered benign. This variant is a silent/synonymous amino acid change and it is not expected to impact splicing.

Labcorp Genetics (formerly Invitae), Labcorp
Classification: Likely benign for Familial adenomatous polyposis 1. Last evaluated: 2022-03-05. Review status: criteria provided, single submitter. Criteria: Invitae Variant Classification Sherloc (09022015). Collection method: clinical testing. Allele origin: germline.

Ambry Genetics
Classification: Likely benign for Hereditary cancer-predisposing syndrome. Last evaluated: 2022-01-23. Review status: criteria provided, single submitter. Criteria: Ambry Variant Classification Scheme 2023. Collection method: clinical testing. Allele origin: germline.